The following is an entry in ClinVar:

NM_014845.6(FIG4):c.401A>G (p.Tyr134Cys)

Gene: FIG4 (FIG4 phosphoinositide 5-phosphatase; plus strand). Cytogenetic location: 6q21.
Variant type: single nucleotide variant.
Coding change: c.401A>G on transcript NM_014845.6 (MANE Select); coding-DNA position 401, A replaced by G.
Protein change: p.Tyr134Cys; replaces tyrosine 134 with cysteine.
Molecular consequence: missense variant.
Genome position (GRCh38, 1-based): chr6:109,727,220, A>G. VCF-style: chr6-109727220-A-G. GRCh37 (hg19) VCF-style: chr6-110048423-A-G.
Other names: p.Tyr134Cys; short protein forms Y134C.
Identifiers: ClinVar variation 849394 (VCV000849394.31), dbSNP rs571563767, ClinGen allele CA3955759.

ClinVar aggregate classification (germline): Uncertain significance. Review status: criteria provided, multiple submitters, no conflicts (2 of 4 stars). 3 submissions from 3 submitters: Uncertain significance (3). Last evaluated 2023-11-01.

Conditions:
Charcot-Marie-Tooth disease type 4. Also called: Charcot-Marie-Tooth disease, type IV; Charcot-Marie-Tooth, Type 4. Identifiers: Orphanet 64749, MedGen C4082197, MONDO:0018995.

Allele frequency attached by ClinVar (database versions not stated): TOPMed 0.00001.
gnomAD v4.1: 37 of 1,612,702 alleles (0.0023%); highest among the groups gnomAD compares: South Asian, 0.011%; no homozygotes.

Submissions (3):

CeGaT Center for Human Genetics Tuebingen
Classification: Uncertain significance. Last evaluated: 2023-11-01. Review status: criteria provided, single submitter. Criteria: CeGaT Center For Human Genetics Tuebingen Variant Classification Criteria Version 2. Collection method: clinical testing. Allele origin: germline. Affected: yes. Observed: 1 variant allele.
Comment: FIG4: PM2, PM3

Labcorp Genetics (formerly Invitae), Labcorp
Classification: Uncertain significance for Charcot-Marie-Tooth disease type 4. Last evaluated: 2022-06-22. Review status: criteria provided, single submitter. Criteria: Invitae Variant Classification Sherloc (09022015). Collection method: clinical testing. Allele origin: germline.
Comment: This sequence change replaces tyrosine, which is neutral and polar, with cysteine, which is neutral and slightly polar, at codon 134 of the FIG4 protein (p.Tyr134Cys). This variant is present in population databases (rs571563767, gnomAD 0.02%). This variant has not been reported in the literature in individuals affected with FIG4-related conditions. ClinVar contains an entry for this variant (Variation ID: 849394). Algorithms developed to predict the effect of missense changes on protein structure and function are either unavailable or do not agree on the potential impact of this missense change (SIFT: "Tolerated"; PolyPhen-2: "Possibly Damaging"; Align-GVGD: "Class C0"). In summary, the available evidence is currently insufficient to determine the role of this variant in disease. Therefore, it has been classified as a Variant of Uncertain Significance.

Mayo Clinic Laboratories, Mayo Clinic
Classification: Uncertain significance. Last evaluated: 2021-12-03. Review status: criteria provided, single submitter. Criteria: ACMG Guidelines, 2015. Collection method: clinical testing. Allele origin: germline.